The following is an entry in ClinVar:

NM_001037333.3(CYFIP2):c.3405C>T (p.Phe1135=)

Genes: NIPAL4-DT (NIPAL4 divergent transcript; minus strand), CYFIP2 (cytoplasmic FMR1 interacting protein 2; plus strand). Cytogenetic location: 5q33.3.
Variant type: single nucleotide variant.
Coding change: c.3405C>T on transcript NM_001037333.3 (MANE Select); coding-DNA position 3405, C replaced by T.
Protein change: p.Phe1135=; no amino-acid change (phenylalanine 1135 retained).
Molecular consequence: synonymous variant.
Genome position (GRCh38, 1-based): chr5:157,389,386, C>T. VCF-style: chr5-157389386-C-T. GRCh37 (hg19) VCF-style: chr5-156816394-C-T.
Other names: c.3327C>T, p.Phe1109= (NM_001291721.2); c.3480C>T, p.Phe1160= (NM_001291722.2); c.3405C>T, p.Phe1135= (NM_014376.4).
Identifiers: ClinVar variation 1574041 (VCV001574041.13), dbSNP rs267600516, ClinGen allele CA3534357.

ClinVar aggregate classification (germline): Likely benign. Review status: criteria provided, multiple submitters, no conflicts (2 of 4 stars). 3 submissions from 3 submitters: Likely benign (3). Last evaluated 2026-02-03.

Conditions:
Developmental and epileptic encephalopathy, 65. Also called: EPILEPTIC ENCEPHALOPATHY, EARLY INFANTILE, 65. Identifiers: MedGen C4693925, MONDO:0033374, OMIM 618008.

Allele frequency attached by ClinVar (database versions not stated): gnomAD exomes 0.00006 and 0.00007; ExAC 0.00007; ESP Exome Variant Server 0.00008; gnomAD 0.00012 and 0.00013; TOPMed 0.00012.
gnomAD v4.1: 128 of 1,610,904 alleles (0.0079%); highest among the groups gnomAD compares: Middle Eastern, 0.016%; no homozygotes.

Submissions (3):

Labcorp Genetics (formerly Invitae), Labcorp
Classification: Likely benign. Last evaluated: 2026-02-03. Review status: criteria provided, single submitter. Criteria: Invitae Variant Classification Sherloc (09022015). Collection method: clinical testing. Allele origin: germline.

CeGaT Center for Human Genetics Tuebingen
Classification: Likely benign. Last evaluated: 2026-02-01. Review status: criteria provided, single submitter. Criteria: CeGaT Center For Human Genetics Tuebingen Variant Classification Criteria Version 2. Collection method: clinical testing. Allele origin: germline. Affected: yes. Observed: 1 variant allele.
Comment: CYFIP2: BP4, BP7

Fulgent Genetics
Classification: Likely benign for Developmental and epileptic encephalopathy, 65. Last evaluated: 2021-09-16. Review status: criteria provided, single submitter. Criteria: ACMG Guidelines, 2015. Collection method: clinical testing. Allele origin: unknown.